The following is an entry in ClinVar:

ClinVar aggregate classification (germline): Uncertain significance (1 of 4 stars; one submission).

Conditions:
Hereditary cancer-predisposing syndrome. Also called: Hereditary Cancer Syndrome; Hereditary neoplastic syndrome; Neoplastic Syndromes, Hereditary; Tumor predisposition. Identifiers: Orphanet 140162, MedGen C0027672, MeSH D009386, MONDO:0015356.

Submission:

Ambry Genetics
Classification: Uncertain significance for Hereditary cancer-predisposing syndrome. Last evaluated: 2022-09-27. Review status: criteria provided, single submitter. Criteria: Ambry Variant Classification Scheme 2023. Collection method: clinical testing. Allele origin: germline.
Comment: The p.S1400A variant (also known as c.4198T>G), located in coding exon 15 of the APC gene, results from a T to G substitution at nucleotide position 4198. The serine at codon 1400 is replaced by alanine, an amino acid with similar properties. This amino acid position is conserved. In addition, in silico predictors for this gene do not accurately predict pathogenicity. Since supporting evidence is limited at this time, the clinical significance of this alteration remains unclear.

NM_000038.6(APC):c.4198T>G (p.Ser1400Ala)

Gene: APC (APC regulator of Wnt signaling pathway; plus strand). Cytogenetic location: 5q22.2.
Variant type: single nucleotide variant.
Coding change: c.4198T>G on transcript NM_000038.6 (MANE Select); coding-DNA position 4198, T replaced by G.
Protein change: p.Ser1400Ala; replaces serine 1400 with alanine.
Molecular consequence: missense variant.
Genome position (GRCh38, 1-based): chr5:112,839,792, T>G. VCF-style: chr5-112839792-T-G. GRCh37 (hg19) VCF-style: chr5-112175489-T-G.
Other names: c.4198T>G, p.Ser1400Ala (NM_001127510.3, NM_001354895.2, NM_001407450.1); c.4144T>G, p.Ser1382Ala (NM_001127511.3); c.4252T>G, p.Ser1418Ala (NM_001354896.2, NM_001407447.1, NM_001407448.1 and 1 more transcripts); c.4228T>G, p.Ser1410Ala (NM_001354897.2); c.4123T>G, p.Ser1375Ala (NM_001354898.2); c.4114T>G, p.Ser1372Ala (NM_001354899.2); c.4075T>G, p.Ser1359Ala (NM_001354900.2); c.4021T>G, p.Ser1341Ala (NM_001354901.2, NM_001407453.1); and 11 more; short protein forms S1016A, S1274A, S1359A, S1382A, S1117A, S1309A, S1317A, S1375A.
Identifiers: ClinVar variation 1738601 (VCV001738601.2), dbSNP rs1561590556, ClinGen allele CA16030534.
Genomic context (GRCh38, chr5:112,839,792, plus strand): 5'-ACCCCACTCATGTTTAGCAGATGTACTTCTGTCAGTTCACTTGATAGTTTTGAGAGTCGT[T>G]CGATTGCCAGCTCCGTTCAGAGTGAACCATGCAGTGGAATGGTAAGTGGCATTATAAGCC-3'
Protein context (NP_000029.2, residues 1390-1410): VSSLDSFESR[Ser1400Ala]IASSVQSEPC